The following is an entry in ClinVar:

NM_000059.4(BRCA2):c.8063T>C (p.Leu2688Pro)

Gene: BRCA2 (BRCA2 DNA repair associated; plus strand). Cytogenetic location: 13q13.1.
Variant type: single nucleotide variant.
Coding change: c.8063T>C on transcript NM_000059.4 (MANE Select); coding-DNA position 8063, T replaced by C.
Protein change: p.Leu2688Pro; replaces leucine 2688 with proline.
Molecular consequence: missense variant.
Genome position (GRCh38, 1-based): chr13:32,363,265, T>C. VCF-style: chr13-32363265-T-C. GRCh37 (hg19) VCF-style: chr13-32937402-T-C.
Other names: short protein forms L2688P.
Identifiers: ClinVar variation 38137 (VCV000038137.29), dbSNP rs80359045, ClinGen allele CA025432.
Genomic context (GRCh38, chr13:32,363,265, plus strand): 5'-GAAGATCGGCTATAAAAAAGATAATGGAAAGGGATGACACAGCTGCAAAAACACTTGTTC[T>C]CTGTGTTTCTGACATAATTTCATTGAGCGCAAATATATCTGAAACTTCTAGCAATAAAAC-3'
Protein context (NP_000050.3, residues 2678-2698): RDDTAAKTLV[Leu2688Pro]CVSDIISLSA

ClinVar aggregate classification (germline): Pathogenic/Likely pathogenic. Review status: criteria provided, multiple submitters, no conflicts (2 of 4 stars). 10 submissions from 10 submitters: Pathogenic (3); Likely pathogenic (5). 2 of the submissions do not count toward it. Last evaluated 2026-08-12.

Conditions:
BRCA2-related cancer predisposition. Identifiers: MedGen CN377758, MONDO:0700269.
Hereditary cancer-predisposing syndrome. Also called: Neoplastic Syndromes, Hereditary; Hereditary neoplastic syndrome; Tumor predisposition; Hereditary Cancer Syndrome. Identifiers: Orphanet 140162, MedGen C0027672, MeSH D009386, MONDO:0015356.
Hereditary breast ovarian cancer syndrome. Also called: Hereditary breast and ovarian cancer; Hereditary breast and ovarian cancer syndrome (HBOC); Hereditary breast and ovarian cancer syndrome; Breast and ovarian cancer; Hereditary breast and/or ovarian cancer syndrome; BRCA1- and BRCA2-Associated Hereditary Breast and Ovarian Cancer. Identifiers: Orphanet 145, MedGen C0677776, MeSH D061325, MONDO:0003582. Disease mechanism: loss of function.
Breast-ovarian cancer, familial, susceptibility to, 2 (BROVCA2). Also called: BRCA2 Hereditary Breast and Ovarian Cancer. Identifiers: Orphanet 145, MedGen C2675520, MONDO:0012933, OMIM 612555. Disease mechanism: loss of function.

Allele frequency attached by ClinVar (database versions not stated): TOPMed below 0.00001; gnomAD 0.00001; gnomAD exomes below 0.00001.
gnomAD v4.1: 2 of 1,614,060 alleles (0.00012%); highest among the groups gnomAD compares: Non-Finnish European, 0.00017%; no homozygotes.

Submissions 1 to 7 of 10:

GeneDx
Classification: Likely pathogenic. Last evaluated: 2026-08-12. Review status: criteria provided, single submitter. Criteria: GeneDx Variant Classification Process June 2021. Collection method: clinical testing. Allele origin: germline.
Comment: Published functional studies demonstrate a damaging effect: impaired homology-directed repair activity, inability to rescue cell lethality in an embryonic stem cell assay, and sensitivity to PARP inhibitors (PMID: 23108138, 29394989, 29884841, 32444794, 33609447, 35665744, 39779857, 39779848); Not observed at significant frequency in large population cohorts (gnomAD); Multifactorial studies suggest this variant is associated with breast and ovarian cancer (PMID: 21990134); In silico analysis suggests that this missense variant does not alter protein structure/function; Also known as 8291T>C; This variant is associated with the following publications: (PMID: 19043619, 29988080, 24323938, 20167696, 33609447, 32444794, 30696104, 31569370, 32042831, 32170000, 12228710, 29884841, 33964450, 35665744, 23108138, 29394989, 39779857, 39779848, 21990134)

Labcorp Genetics (formerly Invitae), Labcorp
Classification: Likely pathogenic for Hereditary breast ovarian cancer syndrome. Last evaluated: 2025-12-14. Review status: criteria provided, single submitter. Criteria: Invitae Variant Classification Sherloc (09022015). Collection method: clinical testing. Allele origin: germline.
Comment: This sequence change replaces leucine, which is neutral and non-polar, with proline, which is neutral and non-polar, at codon 2688 of the BRCA2 protein (p.Leu2688Pro). This variant is not present in population databases (gnomAD no frequency). This missense change has been observed in individual(s) with clinical features of BRCA2-related conditions (PMID: 10923033). ClinVar contains an entry for this variant (Variation ID: 38137). Invitae Evidence Modeling incorporating data from in vitro experimental studies (PMID: 33609447) indicates that this missense variant is expected to disrupt BRCA2 function with a positive predictive value of 95%. Experimental studies have shown that this missense change affects BRCA2 function (PMID: 23108138, 29394989, 30696104, 32444794, 33609447, 33964450). In summary, the currently available evidence indicates that the variant is pathogenic, but additional data are needed to prove that conclusively. Therefore, this variant has been classified as Likely Pathogenic.

Color Diagnostics, LLC DBA Color Health
Classification: Likely pathogenic for Hereditary cancer-predisposing syndrome. Last evaluated: 2024-11-25. Review status: criteria provided, single submitter. Criteria: ACMG Guidelines, 2015. Collection method: clinical testing. Allele origin: germline.
Comment: This missense variant replaces leucine with proline at codon 2688 of the BRCA2 protein. Computational prediction suggests that this variant may have deleterious impact on protein structure and function. Multiple functional studies have shown that this variant results in the loss of BRCA2 gene function (PMID: 23108138, 24323938, 29988080, 30696104, 32444794, 33609447). A multifactorial analysis reported family history odds of pathogenicity of 3.44 with posterior probability of pathogenicity of 0.95 (PMID: 23108138). This variant has been reported to segregate with disease in multiple unrelated families (ClinVar SCV000897859.1, SCV000275420.7). This variant has not been identified in the general population by the Genome Aggregation Database (gnomAD). Based on the available evidence, this variant is classified as Likely Pathogenic.

All of Us Research Program, National Institutes of Health
Classification: Likely pathogenic for BRCA2-related cancer predisposition. Last evaluated: 2024-09-03. Review status: criteria provided, single submitter. Criteria: ACMG Guidelines, 2015. Collection method: clinical testing. Allele origin: germline. Inheritance: Autosomal dominant inheritance. Observed: 1 variant allele, 1 heterozygote.
Comment: This missense variant replaces leucine with proline at codon 2688 of the BRCA2 protein. Computational prediction suggests that this variant may have deleterious impact on protein structure and function (internally defined REVEL score threshold >= 0.7, PMID: 27666373). Splice site prediction tools suggest that this variant may not impact RNA splicing. Functional studies have shown that this variant is deficient in homology-mediated DNA repair and the complementation of BRCA2-deficient mouse embryonic stem cell (PMID: 23108138, 29988080). A multifactorial analysis reported family history odds of pathogenicity of 3.44 with posterior probability of pathogenicity of 0.95 (PMID: 23108138) and ClinVar report indicated the identification of this variant in affected pedigrees in the UK (RCV000045408.5). This variant has not been identified in the general population by the Genome Aggregation Database (gnomAD). Based on the available evidence, this variant is classified as Likely Pathogenic.

This study involves interpretation of variants in research participants for the purpose of population health screening. Participant phenotype was not available at the time of variant classification. Additional details can be found in publication PMID: 35346344, PMCID: PMC8962531

Ambry Genetics
Classification: Pathogenic for Hereditary cancer-predisposing syndrome. Last evaluated: 2024-03-21. Review status: criteria provided, single submitter. Criteria: Ambry Variant Classification Scheme 2023. Collection method: clinical testing. Allele origin: germline.
Comment: The p.L2688P pathogenic mutation (also known as c.8063T>C), located in coding exon 17 of the BRCA2 gene, results from a T to C substitution at nucleotide position 8063. The leucine at codon 2688 is replaced by proline, an amino acid with similar properties. In one study utilizing a bioinformatics method that integrates information about protein sequence, conservation, and structure in a protein likelihood ratio, the effect of this alteration was predicted deleterious (Karchin R et al. Cancer Inform. 2008 Apr;6:203-16). This alteration has been predicted to be pathogenic using homology-directed DNA repair (HDR) functional assays (Guidugli L et al. Cancer Res. 2013 Jan;73:265-75; Guidugli L et al. Am. J. Hum. Genet. 2018 02;102:233-248; Hart SN et al. Genet. Med. 2019 01;21:71-80). This variant segregated with disease in multiple families (Ambry internal data). This amino acid position is highly conserved in available vertebrate species. In addition, this alteration is predicted to be deleterious by in silico analysis. Based on the supporting evidence, this alteration is interpreted as a disease-causing mutation.

Quest Diagnostics Nichols Institute San Juan Capistrano
Classification: Pathogenic. Last evaluated: 2020-07-07. Review status: criteria provided, single submitter. Criteria: Quest Diagnostics criteria. Collection method: clinical testing. Allele origin: unknown.
Comment: In the published literature, the variant has been reported to be defective in homology-directed DNA repair (PMID: 23108138 (2013), 29394989 (2018)). Additionally, it did not complement mouse embryonic cell lines deficient in BRCA2 (PMID: 29988080 (2018)). Therefore, the variant is classified as pathogenic.

Women's Health and Genetics/Laboratory Corporation of America, LabCorp
Classification: Likely pathogenic for Hereditary breast and ovarian cancer syndrome. Last evaluated: 2020-06-29. Review status: criteria provided, single submitter. Criteria: LabCorp Variant Classification Summary - May 2015. Collection method: clinical testing. Allele origin: germline.
Comment: Variant summary: BRCA2 c.8063T>C (p.Leu2688Pro) results in a non-conservative amino acid change located in the BRCA2, OB1 domain (IPR015187) of the encoded protein sequence. Five of five in-silico tools predict a damaging effect of the variant on protein function. The variant was absent in 251256 control chromosomes. c.8063T>C has been reported in the literature in individuals from at-least one family affected with Hereditary Breast And Ovarian Cancer although the exact number of case counts have not been specified (example, Guidugli_2013). These data do not allow any conclusion about variant significance. Several publications report experimental evidence evaluating an impact on protein function. The most pronounced variant effect results in a loss of ability of BRCA2 to interact with the small (70-residues) DSS1 peptide, which appears to be crucial for the maintenance of its stability and correct conformation for the repair of DNA double stranded breaks (DSB's) by homologous recombination (HR) and the formation of DNA damage induced RAD51 foci (Caleca_2019). Consistently, other studies report a corresponding loss of HDR activity (example, Guidugli_2013 and Hart_2019). Five clinical diagnostic laboratories have submitted clinical-significance assessments for this variant to ClinVar after 2014 without evidence for independent evaluation. All laboratories classified the variant as pathogenic (n=1)/likely pathogenic (n=4). Based on the evidence outlined above, the variant was classified as likely pathogenic.